The following is an entry in ClinVar:

NM_000059.4(BRCA2):c.9245T>G (p.Val3082Gly)

Gene: BRCA2 (BRCA2 DNA repair associated; plus strand). Cytogenetic location: 13q13.1.
Variant type: single nucleotide variant.
Coding change: c.9245T>G on transcript NM_000059.4 (MANE Select); coding-DNA position 9245, T replaced by G.
Protein change: p.Val3082Gly; replaces valine 3082 with glycine.
Molecular consequence: missense variant.
Genome position (GRCh38, 1-based): chr13:32,380,134, T>G. VCF-style: chr13-32380134-T-G. GRCh37 (hg19) VCF-style: chr13-32954271-T-G.
Other names: short protein forms V3082G.
Identifiers: ClinVar variation 142930 (VCV000142930.6), dbSNP rs587782829, ClinGen allele CA026047.

ClinVar aggregate classification (germline): Uncertain significance (1 of 4 stars; one submission).

Conditions:
Hereditary cancer-predisposing syndrome. Also called: Hereditary Cancer Syndrome; Neoplastic Syndromes, Hereditary; Hereditary neoplastic syndrome; Tumor predisposition. Identifiers: Orphanet 140162, MedGen C0027672, MeSH D009386, MONDO:0015356.

Submission:

Ambry Genetics
Classification: Uncertain significance for Hereditary cancer-predisposing syndrome. Last evaluated: 2025-10-23. Review status: criteria provided, single submitter. Criteria: Ambry Variant Classification Scheme 2023. Collection method: clinical testing. Allele origin: germline.
Comment: The p.V3082G variant (also known as c.9245T>G), located in coding exon 23 of the BRCA2 gene, results from a T to G substitution at nucleotide position 9245. The valine at codon 3082 is replaced by glycine, an amino acid with dissimilar properties. This amino acid position is not well conserved in available vertebrate species. In addition, the in silico prediction for this alteration is inconclusive. Since supporting evidence is limited at this time, the clinical significance of this alteration remains unclear.